The following is an entry in ClinVar:

NM_001134407.3(GRIN2A):c.3647G>C (p.Ser1216Thr)

Gene: GRIN2A (glutamate ionotropic receptor NMDA type subunit 2A; minus strand). Cytogenetic location: 16p13.2.
Variant type: single nucleotide variant.
Coding change: c.3647G>C on transcript NM_001134407.3 (MANE Select); coding-DNA position 3647, G replaced by C.
Protein change: p.Ser1216Thr; replaces serine 1216 with threonine.
Molecular consequence: missense variant.
Genome position (GRCh38, 1-based): chr16:9,763,897, C>G on the plus strand (G>C on the coding strand, the complement: GRIN2A is on the minus strand). VCF-style: chr16-9763897-C-G. GRCh37 (hg19) VCF-style: chr16-9857754-C-G.
Other names: c.3647G>C, p.Ser1216Thr (NM_000833.5, NM_001134408.2); short protein forms S1216T.
Identifiers: ClinVar variation 98463 (VCV000098463.8), dbSNP rs367543134, ClinGen allele CA225877.

ClinVar aggregate classification (germline): Uncertain significance. Review status: criteria provided, multiple submitters, no conflicts (2 of 4 stars). 3 submissions from 3 submitters: Uncertain significance (2). 1 of the submissions does not count toward it. Last evaluated 2024-10-24.

Conditions:
Inborn genetic diseases. Identifiers: MedGen C0950123, MeSH D030342.
Landau-Kleffner syndrome (FESD). Also called: APHASIA, ACQUIRED, WITH EPILEPSY; EPILEPSY, FOCAL, WITH SPEECH DISORDER AND WITH OR WITHOUT MENTAL RETARDATION. Identifiers: Orphanet 1945, Orphanet 725, Orphanet 98818, MedGen C0282512, MONDO:0009509, OMIM 245570.

Allele frequency attached by ClinVar (database versions not stated): TOPMed below 0.00001.
gnomAD v4.1: 2 of 1,614,150 alleles (0.00012%); highest among the groups gnomAD compares: Non-Finnish European, 0.00017%; no homozygotes.

Submissions (3):

Labcorp Genetics (formerly Invitae), Labcorp
Classification: Uncertain significance for Landau-Kleffner syndrome. Last evaluated: 2024-10-24. Review status: criteria provided, single submitter. Criteria: Invitae Variant Classification Sherloc (09022015). Collection method: clinical testing. Allele origin: germline.
Comment: This sequence change replaces serine, which is neutral and polar, with threonine, which is neutral and polar, at codon 1216 of the GRIN2A protein (p.Ser1216Thr). This variant is present in population databases (rs367543134, gnomAD 0.0009%). This variant has not been reported in the literature in individuals affected with GRIN2A-related conditions. ClinVar contains an entry for this variant (Variation ID: 98463). Invitae Evidence Modeling of protein sequence and biophysical properties (such as structural, functional, and spatial information, amino acid conservation, physicochemical variation, residue mobility, and thermodynamic stability) indicates that this missense variant is not expected to disrupt GRIN2A protein function with a negative predictive value of 95%. In summary, the available evidence is currently insufficient to determine the role of this variant in disease. Therefore, it has been classified as a Variant of Uncertain Significance.

Ambry Genetics
Classification: Uncertain significance for Inborn genetic diseases. Last evaluated: 2016-06-16. Review status: criteria provided, single submitter. Criteria: Ambry Variant Classification Scheme 2023. Collection method: clinical testing. Allele origin: germline.
Comment: The p.S1216T variant (also known as c.3647G>C), located in coding exon 12 of the GRIN2A gene, results from a G to C substitution at nucleotide position 3647. The serine at codon 1216 is replaced by threonine, an amino acid with similar properties. This variant was previously reported in the SNPDatabase as rs367543134. This variant was not reported in population based cohorts in the following databases: NHLBI Exome Sequencing Project (ESP) and 1000 Genomes Project. In the ESP, this variant was not observed in 6497 samples (12994 alleles) with coverage at this position. This amino acid position is highly conserved in available vertebrate species. In addition, this alteration is predicted to be tolerated by in silico analysis. Since supporting evidence is limited at this time, the clinical significance of this variant remains unclear.

Psychiatry Genetics Yale University
No classification provided. Review status: no classification provided. Collection method: not provided. Allele origin: not provided. Not counted in ClinVar's aggregate classification.